The following is an entry in ClinVar:

NM_001244008.2(KIF1A):c.650C>G (p.Ser217Cys)

Gene: KIF1A (kinesin family member 1A; minus strand). Cytogenetic location: 2q37.3.
Variant type: single nucleotide variant.
Coding change: c.650C>G on transcript NM_001244008.2 (MANE Select); coding-DNA position 650, C replaced by G.
Protein change: p.Ser217Cys; replaces serine 217 with cysteine.
Molecular consequence: missense variant.
Genome position (GRCh38, 1-based): chr2:240,785,059, G>C on the plus strand (C>G on the coding strand, the complement: KIF1A is on the minus strand). VCF-style: chr2-240785059-G-C. GRCh37 (hg19) VCF-style: chr2-241724476-G-C.
Other names: c.650C>G, p.Ser217Cys (NM_001320705.2, NM_001330289.2, NM_001330290.2 and 20 more transcripts); short protein forms S217C.
Identifiers: ClinVar variation 234758 (VCV000234758.2), dbSNP rs876661202, ClinGen allele CA10577243.

ClinVar aggregate classification (germline): Pathogenic (1 of 4 stars; one submission).

Submission:

GeneDx
Classification: Pathogenic. Last evaluated: 2016-01-04. Review status: criteria provided, single submitter. Criteria: GeneDx Variant Classification (06012015). Collection method: clinical testing. Allele origin: germline. Affected: yes.
Comment: The S217C variant in the KIF1A gene has not been reported previously as a pathogenic variant nor asa benign variant, to our knowledge. The S217C variant was not observed in approximately 6500individuals of European and African American ancestry in the NHLBI Exome Sequencing Project,indicating it is not a common benign variant in these populations. The S217C variant is anon-conservative amino acid substitution, which occurs at a position within the Kinesin motor domainthat is conserved across species. In silico analysis predicts this variant is probably damaging to theprotein structure/function. Missense variants in nearby residues (S215R, R216C, R216H, R216P) havebeen reported in the Human Gene Mutation Database in association with KIF1A-related disorders(Stenson et al., 2014), supporting the functional importance of this region of the protein. Weinterpret S217C as a pathogenic variant.